The following is an entry in ClinVar:

ClinVar aggregate classification (germline): Uncertain significance. Review status: criteria provided, multiple submitters, no conflicts (2 of 4 stars). 2 submissions from 2 submitters: Uncertain significance (2). Last evaluated 2023-05-03.

Conditions:
Juvenile polyposis syndrome (JPS). Identifiers: Orphanet 2929, MedGen C0345893, MONDO:0017380, OMIM 174900.
Hereditary cancer-predisposing syndrome. Also called: Tumor predisposition; Hereditary neoplastic syndrome; Neoplastic Syndromes, Hereditary; Hereditary Cancer Syndrome. Identifiers: Orphanet 140162, MedGen C0027672, MeSH D009386, MONDO:0015356.

Submissions (2):

St. Jude Molecular Pathology, St. Jude Children's Research Hospital
Classification: Uncertain significance for Juvenile polyposis syndrome. Last evaluated: 2023-05-03. Review status: criteria provided, single submitter. Criteria: St. Jude Assertion Criteria 2020. Collection method: clinical testing. Allele origin: germline.
Comment: The BMPR1A c.428T>C (p.Ile143Thr) missense change is absent in gnomAD v2.1.1. The in silico tool REVEL predicts a benign effect on protein function, but this prediction has not been confirmed by functional studies. This variant has not been reported in individuals with juvenile polyposis syndrome. In summary, the evidence currently available is insufficient to determine the clinical significance of this variant. It has therefore been classified as of uncertain significance.

Ambry Genetics
Classification: Uncertain significance for Hereditary cancer-predisposing syndrome. Last evaluated: 2023-04-05. Review status: criteria provided, single submitter. Criteria: Ambry Variant Classification Scheme 2023. Collection method: clinical testing. Allele origin: germline.
Comment: The p.I143T variant (also known as c.428T>C), located in coding exon 4 of the BMPR1A gene, results from a T to C substitution at nucleotide position 428. The isoleucine at codon 143 is replaced by threonine, an amino acid with similar properties. This amino acid position is conserved. In addition, this alteration is predicted to be tolerated by in silico analysis. Since supporting evidence is limited at this time, the clinical significance of this alteration remains unclear.

NM_004329.3(BMPR1A):c.428T>C (p.Ile143Thr)

Gene: BMPR1A (bone morphogenetic protein receptor type 1A; plus strand). Cytogenetic location: 10q23.2.
Variant type: single nucleotide variant.
Coding change: c.428T>C on transcript NM_004329.3 (MANE Select); coding-DNA position 428, T replaced by C.
Protein change: p.Ile143Thr; replaces isoleucine 143 with threonine.
Molecular consequence: missense variant. On other transcripts: non-coding transcript variant (3), intron variant (1).
Genome position (GRCh38, 1-based): chr10:86,899,888, T>C. VCF-style: chr10-86899888-T-C. GRCh37 (hg19) VCF-style: chr10-88659645-T-C.
Other names: c.428T>C, p.Ile143Thr (NM_001406582.1, NM_001406583.1, NM_001406559.1 and 22 more transcripts); c.344T>C, p.Ile115Thr (NM_001406584.1, NM_001406585.1, NM_001406586.1 and 2 more transcripts); c.333+7659T>C (NM_001406589.1); short protein forms I115T, I143T.
Identifiers: ClinVar variation 2503521 (VCV002503521.3), dbSNP rs2539491624, ClinGen allele CA377449893.
Genomic context (GRCh38, chr10:86,899,888, plus strand): 5'-AATGTTGTCGGACCAATTTATGTAACCAGTATTTGCAACCCACACTGCCCCCTGTTGTCA[T>C]AGGTAGGTTAGCCGAGAAAAGTCGGAGCATGCTTCTCAAATATCTTCTCTGGTTTTACAG-3'
Protein context (NP_004320.2, residues 133-153): YLQPTLPPVV[Ile143Thr]GPFFDGSIRW